The following is an entry in ClinVar:

ClinVar aggregate classification (germline): Benign (1 of 4 stars; one submission).

Conditions:
Thyroid hormone resistance, generalized, autosomal dominant (GRTHD). Also called: HYPERTHYROXINEMIA, FAMILIAL EUTHYROID, SECONDARY TO PITUITARY AND PERIPHERAL RESISTANCE TO THYROID HORMONES. Identifiers: MedGen C2937288, MONDO:0008569, OMIM 188570.

Allele frequency attached by ClinVar (database versions not stated): 1000 Genomes Project 30x 0.00156; 1000 Genomes Project 0.00180; gnomAD 0.00415 and 0.00443; gnomAD exomes 0.00465; TOPMed 0.00499.
gnomAD v4.1: 663 of 152,726 alleles (0.43%); highest among the groups gnomAD compares: Non-Finnish European, 0.7%; 2 homozygotes.

Submission:

Illumina Laboratory Services, Illumina
Classification: Benign for Thyroid hormone resistance, generalized, autosomal dominant. Last evaluated: 2018-01-12. Review status: criteria provided, single submitter. Criteria: ICSL Variant Classification Criteria 13 December 2019. Collection method: clinical testing. Allele origin: germline.
Comment: This variant was observed in the ICSL laboratory as part of a predisposition screen in an ostensibly healthy population. It had not been previously curated by ICSL or reported in the Human Gene Mutation Database (HGMD: prior to June 1st, 2018), and was therefore a candidate for classification through an automated scoring system. Utilizing variant allele frequency, disease prevalence and penetrance estimates, and inheritance mode, an automated score was calculated to assess if this variant is too frequent to cause the disease. Based on the score and internal cut-off values, a variant classified as benign is not then subjected to further curation. The score for this variant resulted in a classification of benign for this disease.

NM_001354712.2(THRB):c.*1334C>T

Gene: THRB (thyroid hormone receptor beta; minus strand). Cytogenetic location: 3p24.2.
Variant type: single nucleotide variant.
Coding change: c.*1334C>T on transcript NM_001354712.2 (MANE Select); 1334 bases downstream of the stop codon, C replaced by T.
Molecular consequence: 3 prime UTR variant.
Genome position (GRCh38, 1-based): chr3:24,121,550, G>A on the plus strand (C>T on the coding strand, the complement: THRB is on the minus strand). VCF-style: chr3-24121550-G-A. GRCh37 (hg19) VCF-style: chr3-24163041-G-A.
Other names: c.*1334C>T (NM_000461.5, NM_001128176.3, NM_001128177.2 and 8 more transcripts).
Identifiers: ClinVar variation 344614 (VCV000344614.5), dbSNP rs192044256, ClinGen allele CA10617981.
Genomic context (GRCh38, chr3:24,121,550, plus strand): 5'-TCTATGCCCATTTTCTGACGCTGAAGAGATGAAGTGTCACTGTTTGTTTTCTGGGCACAA[G>A]CTATTCTAGCATGGGCCGTTGGGGAGGCAGGTTGGGCAGGAAAGTTAAGTGTGCACATGG-3'